The following is an entry in ClinVar:

NM_000291.4(PGK1):c.905C>T (p.Thr302Ile)

Gene: PGK1 (phosphoglycerate kinase 1; plus strand). Cytogenetic location: Xq21.1.
Variant type: single nucleotide variant.
Coding change: c.905C>T on transcript NM_000291.4 (MANE Select); coding-DNA position 905, C replaced by T.
Protein change: p.Thr302Ile; replaces threonine 302 with isoleucine.
Molecular consequence: missense variant.
Genome position (GRCh38, 1-based): chrX:78,123,343, C>T. VCF-style: chrX-78123343-C-T. GRCh37 (hg19) VCF-style: chrX-77378840-C-T.
Other names: short protein forms T302I.
Identifiers: ClinVar variation 3390437 (VCV003390437.1).

ClinVar aggregate classification (germline): Uncertain significance (1 of 4 stars; one submission).

Submission:

GeneDx
Classification: Uncertain significance. Last evaluated: 2024-06-11. Review status: criteria provided, single submitter. Criteria: GeneDx Variant Classification Process June 2021. Collection method: clinical testing. Allele origin: germline. Affected: yes.
Comment: Not observed at significant frequency in large population cohorts (gnomAD); In silico analysis supports that this missense variant has a deleterious effect on protein structure/function; Has not been previously published as pathogenic or benign to our knowledge